The following is an entry in ClinVar:

NM_006506.5(RASA2):c.1599_1602del (p.Thr534fs)

Gene: RASA2 (RAS p21 protein activator 2; plus strand). Cytogenetic location: 3q23.
Variant type: Deletion.
Coding change: c.1599_1602del on transcript NM_006506.5 (MANE Select); coding-DNA positions 1599 to 1602, 4 bases deleted (GACA; older notation c.1599_1602delGACA).
Protein change: p.Thr534fs; shifts the reading frame from threonine 534.
Molecular consequence: frameshift variant.
Genome position (GRCh38, 1-based): chr3:141,580,376-141,580,379, GACA deleted; deleting any 4 consecutive bases within chr3:141,580,373-141,580,379 gives the same sequence; the c. name uses the placement nearest the transcript's 3' end. VCF-style (leftmost placement, unchanged base first): chr3-141580372-CACAG-C. GRCh37 (hg19) VCF-style: chr3-141299214-CACAG-C.
Other names: c.1599_1602del, p.Thr534fs (NM_001303245.3, NM_001303246.3); short protein forms T534fs.
Identifiers: ClinVar variation 1896049 (VCV001896049.5), dbSNP rs756530613, ClinGen allele CA2645564.
Genomic context (GRCh38, chr3:141,580,372, plus strand): 5'-TATACAAACTATTTTCTTGAAAACTTAGTAGTTTTGGTCTTTTTTACATTCTTTAGGATG[CACAG>C]ACAATTAGAACATTAACTCTCATCTCAAAAACTATACAAACTTTGGGAAGCTGGGGGAGT-3'

ClinVar aggregate classification (germline): Uncertain significance (1 of 4 stars; one submission).

Submission:

Labcorp Genetics (formerly Invitae), Labcorp
Classification: Uncertain significance. Last evaluated: 2026-01-19. Review status: criteria provided, single submitter. Criteria: Invitae Variant Classification Sherloc (09022015). Collection method: clinical testing. Allele origin: germline.
Comment: This sequence change creates a premature translational stop signal (p.Thr534Leufs*4) in the RASA2 gene. It is expected to result in an absent or disrupted protein product. However, the current clinical and genetic evidence is not sufficient to establish whether loss-of-function variants in RASA2 cause disease. This variant is present in population databases (rs756530613, gnomAD 0.007%). This variant has not been reported in the literature in individuals affected with RASA2-related conditions. ClinVar contains an entry for this variant (Variation ID: 1896049). In summary, the available evidence is currently insufficient to determine the role of this variant in disease. Therefore, it has been classified as a Variant of Uncertain Significance.